The following is an entry in ClinVar:

NM_001353921.2(ARHGEF9):c.555C>T (p.Ser185=)

Gene: ARHGEF9 (Cdc42 guanine nucleotide exchange factor 9; minus strand). Cytogenetic location: Xq11.1.
Variant type: single nucleotide variant.
Coding change: c.555C>T on transcript NM_001353921.2 (MANE Select); coding-DNA position 555, C replaced by T.
Protein change: p.Ser185=; no amino-acid change (serine 185 retained).
Molecular consequence: synonymous variant.
Genome position (GRCh38, 1-based): chrX:63,697,152, G>A on the plus strand (C>T on the coding strand, the complement: ARHGEF9 is on the minus strand). VCF-style: chrX-63697152-G-A. GRCh37 (hg19) VCF-style: chrX-62917032-G-A.
Other names: c.375C>T, p.Ser125= (NM_001173479.2); c.228C>T, p.Ser76= (NM_001173480.2, NM_001369042.1); c.471C>T, p.Ser157= (NM_001330495.2, NM_001353927.2, NM_001369033.1 and 8 more transcripts); c.555C>T, p.Ser185= (NM_001353922.2); c.573C>T, p.Ser191= (NM_001353923.1); c.354C>T, p.Ser118= (NM_001353924.2, NM_001353926.2, NM_001369039.1 and 1 more transcripts); c.534C>T, p.Ser178= (NM_001353928.2, NM_001369030.1, NM_001369031.1 and 2 more transcripts); c.120C>T, p.Ser40= (NM_001369045.1).
Identifiers: ClinVar variation 1549377 (VCV001549377.32), dbSNP rs782520132, ClinGen allele CA10431933.
Genomic context (GRCh38, chrX:63,697,152, plus strand): 5'-TCAAAACCCTCCCCAAATGGATAAGATACTTACGTGCTCTAGGAAGCAGGGTCCTATCTC[G>A]CTGAGGTGGGGGTCATCATTGTTATACTGTTTCTCCAGGTCTCTCACAAAGCCCATCTGA-3'
Protein context (NP_001340850.1, residues 175-195): KQYNNDDPHL[Ser185=]EIGPCFLEHQ

ClinVar aggregate classification (germline): Benign/Likely benign. Review status: criteria provided, multiple submitters, no conflicts (2 of 4 stars). 2 submissions from 2 submitters: Benign (1); Likely benign (1). Last evaluated 2023-02-16.

Conditions:
Developmental and epileptic encephalopathy, 8 (DEE8). Also called: HYPEREKPLEXIA AND EPILEPSY. Identifiers: Orphanet 163985, Orphanet 2076, MedGen C1845102, MONDO:0010375, OMIM 300607.

Allele frequency attached by ClinVar (database versions not stated): gnomAD exomes 0.00002 and 0.00004; gnomAD 0.00004; ExAC 0.00007; TOPMed 0.00007.
gnomAD v4.1: 23 of 1,208,155 alleles (0.0019%); highest among the groups gnomAD compares: East Asian, 0.012%; no homozygotes.

Submissions (2):

Labcorp Genetics (formerly Invitae), Labcorp
Classification: Benign for Developmental and epileptic encephalopathy, 8. Last evaluated: 2023-02-16. Review status: criteria provided, single submitter. Criteria: Invitae Variant Classification Sherloc (09022015). Collection method: clinical testing. Allele origin: germline.

CeGaT Center for Human Genetics Tuebingen
Classification: Likely benign. Last evaluated: 2022-03-01. Review status: criteria provided, single submitter. Criteria: CeGaT Center For Human Genetics Tuebingen Variant Classification Criteria Version 2. Collection method: clinical testing. Allele origin: germline. Affected: yes. Observed: 1 variant allele.
Comment: ARHGEF9: BP4, BP7